The following is an entry in ClinVar:

NM_001278064.2(GRM1):c.3213T>G (p.Pro1071=)

Gene: GRM1 (glutamate metabotropic receptor 1; plus strand). Cytogenetic location: 6q24.3.
Variant type: single nucleotide variant.
Coding change: c.3213T>G on transcript NM_001278064.2 (MANE Select); coding-DNA position 3213, T replaced by G.
Protein change: p.Pro1071=; no amino-acid change (proline 1071 retained).
Molecular consequence: synonymous variant. On other transcripts: 3 prime UTR variant (3).
Genome position (GRCh38, 1-based): chr6:146,434,424, T>G. VCF-style: chr6-146434424-T-G. GRCh37 (hg19) VCF-style: chr6-146755560-T-G.
Other names: p.Pro1071=; c.*577T>G (NM_001278065.2); c.*542T>G (NM_001278066.1); c.*451T>G (NM_001278067.1).
Identifiers: ClinVar variation 129212 (VCV000129212.17), dbSNP rs1047006, ClinGen allele CA153060.
Genomic context (GRCh38, chr6:146,434,424, plus strand): 5'-GCTGGCAGGCCCCGGTGGTCCCGGGAACGGGCTGCGGTCCCTGTACCCGCCCCCGCCACC[T>G]CCGCAGCACCTGCAGATGCTGCCGCTGCAGCTGAGCACCTTTGGGGAGGAGCTGGTCTCC-3'
Protein context (NP_001264993.1, residues 1061-1081): GLRSLYPPPP[Pro1071=]PQHLQMLPLQ

ClinVar aggregate classification (germline): Benign. Review status: criteria provided, multiple submitters, no conflicts (2 of 4 stars). 9 submissions from 8 submitters: Benign (6). 3 of the submissions do not count toward it. Last evaluated 2026-02-03.

Conditions:
Spinocerebellar ataxia 44. Identifiers: Orphanet 631095, MedGen C4521563, MONDO:0033479, OMIM 617691.
Autosomal recessive spinocerebellar ataxia 13. Identifiers: Orphanet 324262, MedGen C3553816, MONDO:0013905, OMIM 614831.

Allele frequency attached by ClinVar (database versions not stated): 1000 Genomes Project 0.19928; 1000 Genomes Project 30x 0.20081; TOPMed 0.27239; ESP Exome Variant Server 0.29548.
gnomAD v4.1: 570,847 of 1,613,082 alleles (35%); highest among the groups gnomAD compares: Non-Finnish European, 39%; 107,186 homozygotes.

Submissions (9):

Labcorp Genetics (formerly Invitae), Labcorp
Classification: Benign. Last evaluated: 2026-02-03. Review status: criteria provided, single submitter. Criteria: Invitae Variant Classification Sherloc (09022015). Collection method: clinical testing. Allele origin: germline.

Blueprint Genetics
Classification: Benign. Last evaluated: 2024-11-26. Review status: criteria provided, single submitter. Criteria: ACMG Guidelines, 2015. Collection method: clinical testing. Allele origin: germline.

Mayo Clinic Laboratories, Mayo Clinic
Classification: Benign. Last evaluated: 2022-03-24. Review status: criteria provided, single submitter. Criteria: ACMG Guidelines, 2015. Collection method: clinical testing. Allele origin: germline. Observed: 276 variant alleles.

Genome-Nilou Lab
Classification: Benign for Spinocerebellar ataxia 44. Last evaluated: 2021-08-10. Review status: criteria provided, single submitter. Criteria: ACMG Guidelines, 2015. Collection method: clinical testing. Allele origin: germline. Affected: no.

Genome-Nilou Lab
Classification: Benign for Autosomal recessive spinocerebellar ataxia 13. Last evaluated: 2021-08-10. Review status: criteria provided, single submitter. Criteria: ACMG Guidelines, 2015. Collection method: clinical testing. Allele origin: germline. Affected: no.

GeneDx
Classification: Benign. Last evaluated: 2019-08-09. Review status: criteria provided, single submitter. Criteria: GeneDx Variant Classification Process June 2021. Collection method: clinical testing. Allele origin: germline. Affected: yes.

Clinical Genetics DNA and cytogenetics Diagnostics Lab, Erasmus MC, Erasmus Medical Center
Classification: Benign. Review status: no assertion criteria provided. Collection method: clinical testing. Allele origin: germline. Affected: yes. Study: VKGL Data-share Consensus. Not counted in ClinVar's aggregate classification.

Diagnostic Laboratory, Department of Genetics, University Medical Center Groningen
Classification: Benign for Autosomal recessive spinocerebellar ataxia 13. Review status: no assertion criteria provided. Collection method: clinical testing. Allele origin: germline. Affected: yes. Study: VKGL Data-share Consensus. Not counted in ClinVar's aggregate classification.

Genetic Services Laboratory, University of Chicago
Classification: Likely benign for AllHighlyPenetrant. Review status: no assertion criteria provided. Collection method: clinical testing. Allele origin: germline. Inheritance: Autosomal recessive inheritance. Not counted in ClinVar's aggregate classification.
Comment: Likely benign based on allele frequency in 1000 Genomes Project or ESP global frequency and its presence in a patient with a rare or unrelated disease phenotype. NOT Sanger confirmed.